The following is an entry in ClinVar:

NM_138694.4(PKHD1):c.5117del (p.Val1706fs)

Genes: PKHD1 (PKHD1 ciliary IPT domain containing fibrocystin/polyductin; minus strand), LOC126859690 (MED14-independent group 3 enhancer GRCh37_chr6:51888848-51890047; plus strand). Cytogenetic location: 6p12.2.
Variant type: Deletion.
Coding change: c.5117del on transcript NM_138694.4 (MANE Select); coding-DNA position 5117, one base deleted (T; older notation c.5117delT).
Protein change: p.Val1706fs; shifts the reading frame from valine 1706.
Molecular consequence: frameshift variant.
Genome position (GRCh38, 1-based): chr6:52,024,693, A deleted on the plus strand (T on the coding strand, the reverse complement: PKHD1 is on the minus strand). VCF-style (leftmost placement, unchanged base first): chr6-52024692-GA-G. GRCh37 (hg19) VCF-style: chr6-51889490-GA-G.
Other names: c.5117delT (NM_138694.3); c.5117del, p.Val1706fs (NM_170724.3); short protein forms V1706fs.
Identifiers: ClinVar variation 2697750 (VCV002697750.5), dbSNP rs2532687403, ClinGen allele CA2697553414.

ClinVar aggregate classification (germline): Pathogenic/Likely pathogenic. Review status: criteria provided, multiple submitters, no conflicts (2 of 4 stars). 3 submissions from 3 submitters: Pathogenic (2); Likely pathogenic (1). Last evaluated 2024-11-21.

Conditions:
Polycystic kidney disease 4 (PKD4). Also called: POLYCYSTIC KIDNEY AND HEPATIC DISEASE 1; POLYCYSTIC KIDNEY DISEASE, INFANTILE, TYPE I; PKD3; POLYCYSTIC KIDNEY DISEASE 4 WITH OR WITHOUT POLYCYSTIC LIVER DISEASE; Autosomal Recessive Polycystic Kidney Disease – PKHD1. Identifiers: MedGen C4540575, MONDO:0033004, OMIM 263200.
Autosomal recessive polycystic kidney disease (ARPKD). Also called: AR polycystic kidney disease. Identifiers: Orphanet 731, Orphanet 8378, MedGen C0085548, MeSH D017044, MONDO:0009889.

Submissions (3):

Myriad Genetics, Inc.
Classification: Pathogenic for Polycystic kidney disease 4. Last evaluated: 2024-11-21. Review status: criteria provided, single submitter. Criteria: Myriad Autosomal Dominant, Autosomal Recessive and X-Linked Classification Criteria (2023). Collection method: clinical testing. Allele origin: unknown.
Comment: NM_138694.3(PKHD1):c.5117delT(V1706Afs*36) is expected to be pathogenic in the context of autosomal recessive polycystic kidney disease, PKHD1-related. This variant is predicted to lead to an abnormal or absent protein product due to the creation of a premature termination codon in PKHD1, a gene where loss-of-function variants are known to be pathogenic. Please note: this variant was assessed in the context of healthy population screening.

Natera, Inc.
Classification: Likely pathogenic for Autosomal recessive polycystic kidney disease. Last evaluated: 2024-03-28. Review status: criteria provided, single submitter. Criteria: Natera Variant Classification Schema (03/2026). Collection method: clinical testing. Allele origin: germline.
Comment: The c.5117delT variant in PKHD1 is a frameshift variant predicted to shift the reading frame beginning at codon 1706 and leads to a stop codon 36 codons downstream. This variant is expected to result in nonsense mediated decay, truncation, or a dysfunctional protein product. This variant is rare in the general population with a frequency below the threshold expected for the associated phenotype(s). Given the available evidence, this variant is classified as Likely Pathogenic.

Labcorp Genetics (formerly Invitae), Labcorp
Classification: Pathogenic for Autosomal recessive polycystic kidney disease. Last evaluated: 2023-06-07. Review status: criteria provided, single submitter. Criteria: Invitae Variant Classification Sherloc (09022015). Collection method: clinical testing. Allele origin: germline.
Comment: This sequence change creates a premature translational stop signal (p.Val1706Alafs*36) in the PKHD1 gene. It is expected to result in an absent or disrupted protein product. Loss-of-function variants in PKHD1 are known to be pathogenic (PMID: 19940839). This variant is not present in population databases (gnomAD no frequency). For these reasons, this variant has been classified as Pathogenic. This variant has not been reported in the literature in individuals affected with PKHD1-related conditions.

Literature cited by the submitters: PubMed 19940839 (cited by Labcorp Genetics (formerly Invitae), Labcorp).